The following is an entry in ClinVar:

NC_000023.10:g.(?_22094486)_(22239880_?)dup

Gene: PHEX (phosphate regulating endopeptidase X-linked; plus strand). Cytogenetic location: Xp22.11.
Variant type: Duplication.
Identifiers: ClinVar variation 3246133 (VCV003246133.1).

ClinVar aggregate classification (germline): Likely pathogenic (1 of 4 stars; one submission).

Submission:

Labcorp Genetics (formerly Invitae), Labcorp
Classification: Likely pathogenic. Last evaluated: 2023-06-03. Review status: criteria provided, single submitter. Criteria: Invitae Variant Classification Sherloc (09022015). Collection method: clinical testing. Allele origin: unknown.
Comment: In summary, the currently available evidence indicates that the variant is pathogenic, but additional data are needed to prove that conclusively. Therefore, this variant has been classified as Likely Pathogenic. This variant has not been reported in the literature in individuals affected with PHEX-related conditions. This variant results in a copy number gain of the genomic region encompassing exon(s) 4-18 of the PHEX gene. While the exact position of this variant cannot be determined from the data, sub-genic copy number gains are generally in tandem (PMID: 25640679). This variant is predicted to be out-of-frame, and may result in an absent or disrupted protein product. Loss-of-function variants in PHEX are known to be pathogenic (PMID: 9097956, 9106524, 19219621).

Literature cited by the submitters: PubMed 25640679; PubMed 9097956; PubMed 9106524; PubMed 19219621.